The following is an entry in ClinVar:

ClinVar aggregate classification (germline): Uncertain significance (1 of 4 stars; one submission).

Conditions:
Dilated cardiomyopathy 1O (CMD1O). Also called: CARDIOMYOPATHY, DILATED, WITH VENTRICULAR TACHYCARDIA. Identifiers: Orphanet 154, MedGen C1837839, MONDO:0012062, OMIM 608569.

Allele frequency attached by ClinVar (database versions not stated): gnomAD exomes below 0.00001; gnomAD 0.00001; TOPMed 0.00001.
gnomAD v4.1: 3 of 1,613,470 alleles (0.00019%); highest among the groups gnomAD compares: Non-Finnish European, 0.00025%; no homozygotes.

Submission:

Labcorp Genetics (formerly Invitae), Labcorp
Classification: Uncertain significance for Dilated cardiomyopathy 1O. Last evaluated: 2024-02-12. Review status: criteria provided, single submitter. Criteria: Invitae Variant Classification Sherloc (09022015). Collection method: clinical testing. Allele origin: germline.
Comment: This sequence change replaces aspartic acid, which is acidic and polar, with valine, which is neutral and non-polar, at codon 964 of the ABCC9 protein (p.Asp964Val). This variant is not present in population databases (gnomAD no frequency). This variant has not been reported in the literature in individuals affected with ABCC9-related conditions. Advanced modeling of protein sequence and biophysical properties (such as structural, functional, and spatial information, amino acid conservation, physicochemical variation, residue mobility, and thermodynamic stability) has been performed at Invitae for this missense variant, however the output from this modeling did not meet the statistical confidence thresholds required to predict the impact of this variant on ABCC9 protein function. In summary, the available evidence is currently insufficient to determine the role of this variant in disease. Therefore, it has been classified as a Variant of Uncertain Significance.

NM_020297.4(ABCC9):c.2891A>T (p.Asp964Val)

Gene: ABCC9 (ATP binding cassette subfamily C member 9; minus strand). Cytogenetic location: 12p12.1.
Variant type: single nucleotide variant.
Coding change: c.2891A>T on transcript NM_020297.4 (MANE Select); coding-DNA position 2891, A replaced by T.
Protein change: p.Asp964Val; replaces aspartic acid 964 with valine.
Molecular consequence: missense variant.
Genome position (GRCh38, 1-based): chr12:21,845,808, T>A on the plus strand (A>T on the coding strand, the complement: ABCC9 is on the minus strand). VCF-style: chr12-21845808-T-A. GRCh37 (hg19) VCF-style: chr12-21998742-T-A.
Other names: c.2891A>T, p.Asp964Val (NM_001377273.1, NM_005691.4); c.2024A>T, p.Asp675Val (NM_001377274.1); short protein forms D964V, D675V.
Identifiers: ClinVar variation 2845483 (VCV002845483.3), dbSNP rs1207769586, ClinGen allele CA384120576.